The following is an entry in ClinVar:

ClinVar aggregate classification (germline): Uncertain significance. Review status: criteria provided, multiple submitters, no conflicts (2 of 4 stars). 2 submissions from 2 submitters: Uncertain significance (2). Last evaluated 2026-09-11.

Conditions:
Cardiovascular phenotype. Identifiers: MedGen CN230736.
Dilated cardiomyopathy 1DD (CMD1DD). Identifiers: Orphanet 154, MedGen C2750995, MONDO:0013168, OMIM 613172.

Submissions (2):

Ambry Genetics
Classification: Uncertain significance for Cardiovascular phenotype. Last evaluated: 2026-09-11. Review status: criteria provided, single submitter. Criteria: Ambry Variant Classification Scheme 2023. Collection method: clinical testing. Allele origin: germline.
Comment: The p.Q1045R variant (also known as c.3134A>G), located in coding exon 11 of the RBM20 gene, results from an A to G substitution at nucleotide position 3134. The glutamine at codon 1045 is replaced by arginine, an amino acid with highly similar properties. This amino acid position is conserved. In addition, this alteration is predicted to be tolerated by in silico analysis. Based on the available evidence, the clinical significance of this variant remains unclear.

Labcorp Genetics (formerly Invitae), Labcorp
Classification: Uncertain significance for Dilated cardiomyopathy 1DD. Last evaluated: 2021-09-18. Review status: criteria provided, single submitter. Criteria: Invitae Variant Classification Sherloc (09022015). Collection method: clinical testing. Allele origin: germline.
Comment: This sequence change replaces glutamine with arginine at codon 1045 of the RBM20 protein (p.Gln1045Arg). The glutamine residue is highly conserved and there is a small physicochemical difference between glutamine and arginine. This variant is not present in population databases (ExAC no frequency). This variant has not been reported in the literature in individuals affected with RBM20-related conditions. Advanced modeling of protein sequence and biophysical properties (such as structural, functional, and spatial information, amino acid conservation, physicochemical variation, residue mobility, and thermodynamic stability) performed at Invitae indicates that this missense variant is not expected to disrupt RBM20 protein function. In summary, the available evidence is currently insufficient to determine the role of this variant in disease. Therefore, it has been classified as a Variant of Uncertain Significance.

NM_001134363.3(RBM20):c.3134A>G (p.Gln1045Arg)

Gene: RBM20 (RNA binding motif protein 20; plus strand). Cytogenetic location: 10q25.2.
Variant type: single nucleotide variant.
Coding change: c.3134A>G on transcript NM_001134363.3 (MANE Select); coding-DNA position 3134, A replaced by G.
Protein change: p.Gln1045Arg; replaces glutamine 1045 with arginine.
Molecular consequence: missense variant.
Genome position (GRCh38, 1-based): chr10:110,821,753, A>G. VCF-style: chr10-110821753-A-G. GRCh37 (hg19) VCF-style: chr10-112581511-A-G.
Other names: c.3134A>G (NM_001134363.1); short protein forms Q1045R.
Identifiers: ClinVar variation 1431418 (VCV001431418.5), dbSNP rs2135122152, ClinGen allele CA378381234.